The following is an entry in ClinVar:

ClinVar aggregate classification (germline): Uncertain significance. Review status: criteria provided, multiple submitters, no conflicts (2 of 4 stars). 3 submissions from 3 submitters: Uncertain significance (3). Last evaluated 2025-04-10.

Conditions:
Cardiovascular phenotype. Identifiers: MedGen CN230736.
Alstrom syndrome (ALMS). Identifiers: Orphanet 64, MedGen C0268425, MONDO:0008763, OMIM 203800.

Allele frequency attached by ClinVar (database versions not stated): TOPMed below 0.00001; gnomAD 0.00001; gnomAD exomes 0.00002.
gnomAD v4.1: 32 of 1,614,038 alleles (0.002%); highest among the groups gnomAD compares: South Asian, 0.023%; no homozygotes.

Submissions (3):

GeneDx
Classification: Uncertain significance. Last evaluated: 2025-04-10. Review status: criteria provided, single submitter. Criteria: GeneDx Variant Classification Process June 2021. Collection method: clinical testing. Allele origin: germline. Affected: yes.
Comment: Not observed at significant frequency in large population cohorts (gnomAD); In silico analysis supports that this missense variant has a deleterious effect on protein structure/function; Has not been previously published as pathogenic or benign to our knowledge

Labcorp Genetics (formerly Invitae), Labcorp
Classification: Uncertain significance for Alstrom syndrome. Last evaluated: 2022-07-12. Review status: criteria provided, single submitter. Criteria: Invitae Variant Classification Sherloc (09022015). Collection method: clinical testing. Allele origin: germline.
Comment: This sequence change replaces serine with glycine at codon 2417 of the ALMS1 protein (p.Ser2417Gly). The serine residue is moderately conserved and there is a small physicochemical difference between serine and glycine. This variant is present in population databases (no rsID available, gnomAD 0.006%). This variant has not been reported in the literature in individuals affected with ALMS1-related conditions. Experimental studies and prediction algorithms are not available or were not evaluated, and the functional significance of this variant is currently unknown. In summary, the available evidence is currently insufficient to determine the role of this variant in disease. Therefore, it has been classified as a Variant of Uncertain Significance.

Ambry Genetics
Classification: Uncertain significance for Cardiovascular phenotype. Last evaluated: 2021-05-12. Review status: criteria provided, single submitter. Criteria: Ambry Variant Classification Scheme 2023. Collection method: clinical testing. Allele origin: germline.
Comment: The p.S2417G variant (also known as c.7249A>G), located in coding exon 8 of the ALMS1 gene, results from an A to G substitution at nucleotide position 7249. The serine at codon 2417 is replaced by glycine, an amino acid with similar properties. This amino acid position is well conserved in available vertebrate species; however, glycine is the reference amino acid in other vertebrate species. In addition, this alteration is predicted to be tolerated by in silico analysis. Since supporting evidence is limited at this time, the clinical significance of this alteration remains unclear.

NM_001378454.1(ALMS1):c.7246A>G (p.Ser2416Gly)

Gene: ALMS1 (ALMS1 centrosome and basal body associated protein; plus strand). Cytogenetic location: 2p13.1.
Variant type: single nucleotide variant.
Coding change: c.7246A>G on transcript NM_001378454.1 (MANE Select); coding-DNA position 7246, A replaced by G.
Protein change: p.Ser2416Gly; replaces serine 2416 with glycine.
Molecular consequence: missense variant.
Genome position (GRCh38, 1-based): chr2:73,453,773, A>G. VCF-style: chr2-73453773-A-G. GRCh37 (hg19) VCF-style: chr2-73680900-A-G.
Other names: c.7249A>G, p.Ser2417Gly (NM_015120.4); short protein forms S2416G, S2417G.
Identifiers: ClinVar variation 1757894 (VCV001757894.5), dbSNP rs1464955491, ClinGen allele CA347291853.
Genomic context (GRCh38, chr2:73,453,773, plus strand): 5'-AGTGGAACCATTGGGAATAAAATTATTATCCCTATGATGACTGTCATAAAAAGTGATTCA[A>G]GTAGTGATGCCAGTGATGGAAATGGTTCCTGCTCGTGGGACAGTAATTTACCAGAGTCTT-3'
Protein context (NP_001365383.1, residues 2406-2426): PMMTVIKSDS[Ser2416Gly]SDASDGNGSC